The following is an entry in ClinVar:

ClinVar aggregate classification (germline): Uncertain significance. Review status: criteria provided, multiple submitters, no conflicts (2 of 4 stars). 3 submissions from 3 submitters: Uncertain significance (3). Last evaluated 2025-09-07.

Conditions:
Inborn genetic diseases. Identifiers: MedGen C0950123, MeSH D030342.

Allele frequency attached by ClinVar (database versions not stated): gnomAD 0.00005; ExAC 0.00002; TOPMed 0.00005; ESP Exome Variant Server 0.00008.
gnomAD v4.1: 19 of 1,613,470 alleles (0.0012%); highest among the groups gnomAD compares: African/African-American, 0.02%; no homozygotes.

Submissions (3):

Labcorp Genetics (formerly Invitae), Labcorp
Classification: Uncertain significance. Last evaluated: 2025-09-07. Review status: criteria provided, single submitter. Criteria: Invitae Variant Classification Sherloc (09022015). Collection method: clinical testing. Allele origin: germline.
Comment: This sequence change replaces isoleucine, which is neutral and non-polar, with valine, which is neutral and non-polar, at codon 418 of the SAMD9L protein (p.Ile418Val). This variant is present in population databases (rs371681129, gnomAD 0.02%). This variant has not been reported in the literature in individuals affected with SAMD9L-related conditions. ClinVar contains an entry for this variant (Variation ID: 2909344). Invitae Evidence Modeling of protein sequence and biophysical properties (such as structural, functional, and spatial information, amino acid conservation, physicochemical variation, residue mobility, and thermodynamic stability) indicates that this missense variant is not expected to disrupt SAMD9L protein function with a negative predictive value of 80%. In summary, the available evidence is currently insufficient to determine the role of this variant in disease. Therefore, it has been classified as a Variant of Uncertain Significance.

Ambry Genetics
Classification: Uncertain significance for Inborn genetic diseases. Last evaluated: 2024-12-03. Review status: criteria provided, single submitter. Criteria: Ambry Variant Classification Scheme 2023. Collection method: clinical testing. Allele origin: germline.
Comment: The p.I418V variant (also known as c.1252A>G), located in coding exon 1 of the SAMD9L gene, results from an A to G substitution at nucleotide position 1252. The isoleucine at codon 418 is replaced by valine, an amino acid with highly similar properties. This amino acid position is conserved. In addition, this alteration is predicted to be tolerated by in silico analysis. Based on the available evidence, the clinical significance of this variant remains unclear.

GeneDx
Classification: Uncertain significance. Last evaluated: 2024-06-12. Review status: criteria provided, single submitter. Criteria: GeneDx Variant Classification Process June 2021. Collection method: clinical testing. Allele origin: germline. Affected: yes.
Comment: In silico analysis indicates that this missense variant does not alter protein structure/function; Has not been previously published as pathogenic or benign to our knowledge

NM_152703.5(SAMD9L):c.1252A>G (p.Ile418Val)

Gene: SAMD9L (sterile alpha motif domain containing 9 like; minus strand). Cytogenetic location: 7q21.2.
Variant type: single nucleotide variant.
Coding change: c.1252A>G on transcript NM_152703.5 (MANE Select); coding-DNA position 1252, A replaced by G.
Protein change: p.Ile418Val; replaces isoleucine 418 with valine.
Molecular consequence: missense variant.
Genome position (GRCh38, 1-based): chr7:93,134,720, T>C on the plus strand (A>G on the coding strand, the complement: SAMD9L is on the minus strand). VCF-style: chr7-93134720-T-C. GRCh37 (hg19) VCF-style: chr7-92764033-T-C.
Other names: c.1252A>G (NM_152703.2, NM_152703.3); c.1252A>G, p.Ile418Val (NM_001303496.3, NM_001303497.3, NM_001303498.3 and 5 more transcripts); short protein forms I418V.
Identifiers: ClinVar variation 2909344 (VCV002909344.5), dbSNP rs371681129, ClinGen allele CA4343748.